The following is an entry in ClinVar:

ClinVar aggregate classification (germline): Uncertain significance. Review status: criteria provided, single submitter (1 of 4 stars). 2 submissions from 2 submitters: Uncertain significance (1). 1 of the submissions does not count toward it. Last evaluated 2024-07-30.

Conditions:
Autosomal recessive limb-girdle muscular dystrophy type 2R1 (LGMDR21). Also called: Muscular dystrophy, limb-girdle, type 2z; Autosomal recessive limb-girdle muscular dystrophy type 2Z. Identifiers: Orphanet 480682, MedGen C4310660, MONDO:0014977, OMIM 617232.

Allele frequency attached by ClinVar (database versions not stated): TOPMed below 0.00001; ExAC 0.00002; gnomAD exomes 0.00002.
gnomAD v4.1: 22 of 1,570,958 alleles (0.0014%); highest among the groups gnomAD compares: Non-Finnish European, 0.0018%; no homozygotes.

Submissions (2):

Labcorp Genetics (formerly Invitae), Labcorp
Classification: Uncertain significance. Last evaluated: 2024-07-30. Review status: criteria provided, single submitter. Criteria: Invitae Variant Classification Sherloc (09022015). Collection method: clinical testing. Allele origin: germline.
Comment: This sequence change replaces tyrosine, which is neutral and polar, with cysteine, which is neutral and slightly polar, at codon 57 of the POGLUT1 protein (p.Tyr57Cys). This variant is present in population databases (rs745522007, gnomAD 0.002%). This missense change has been observed in individual(s) with autosomal recessive limb-girdle muscular dystrophy (PMID: 31897643, 32528171). ClinVar contains an entry for this variant (Variation ID: 1708168). Advanced modeling of protein sequence and biophysical properties (such as structural, functional, and spatial information, amino acid conservation, physicochemical variation, residue mobility, and thermodynamic stability) performed at Invitae indicates that this missense variant is expected to disrupt POGLUT1 protein function with a positive predictive value of 80%. Experimental studies have shown that this missense change affects POGLUT1 function (PMID: 31897643). In summary, the available evidence is currently insufficient to determine the role of this variant in disease. Therefore, it has been classified as a Variant of Uncertain Significance.

OMIM
Classification: Pathogenic for MUSCULAR DYSTROPHY, LIMB-GIRDLE, AUTOSOMAL RECESSIVE 21. Last evaluated: 2022-10-04. Review status: no assertion criteria provided. Collection method: literature only. Allele origin: germline. Not counted in ClinVar's aggregate classification.

Literature cited by the submitters: PubMed 31897643 (cited by Labcorp Genetics (formerly Invitae), Labcorp and OMIM); PubMed 32528171 (cited by Labcorp Genetics (formerly Invitae), Labcorp).

NM_152305.3(POGLUT1):c.170A>G (p.Tyr57Cys)

Gene: POGLUT1 (protein O-glucosyltransferase 1; plus strand). Cytogenetic location: 3q13.33.
Variant type: single nucleotide variant.
Coding change: c.170A>G on transcript NM_152305.3 (MANE Select); coding-DNA position 170, A replaced by G.
Protein change: p.Tyr57Cys; replaces tyrosine 57 with cysteine.
Molecular consequence: missense variant. On other transcripts: non-coding transcript variant (1).
Genome position (GRCh38, 1-based): chr3:119,469,904, A>G. VCF-style: chr3-119469904-A-G. GRCh37 (hg19) VCF-style: chr3-119188751-A-G.
Other names: Y57C; c.170A>G, p.Tyr57Cys (NM_020231.3).
Identifiers: ClinVar variation 1708168 (VCV001708168.3), dbSNP rs745522007, ClinGen allele CA2554759.